The following is an entry in ClinVar:

ClinVar aggregate classification (germline): Uncertain significance (1 of 4 stars; one submission).

gnomAD v4.1: 2 of 1,541,026 alleles (0.00013%); highest among the groups gnomAD compares: Admixed American, 0.002%; no homozygotes.

Submission:

Labcorp Genetics (formerly Invitae), Labcorp
Classification: Uncertain significance. Last evaluated: 2024-08-14. Review status: criteria provided, single submitter. Criteria: Invitae Variant Classification Sherloc (09022015). Collection method: clinical testing. Allele origin: germline.
Comment: This sequence change affects a donor splice site in intron 3 of the DDX58 gene. It is expected to disrupt RNA splicing. Variants that disrupt the donor or acceptor splice site typically lead to a loss of protein function (PMID: 16199547), however the current clinical and genetic evidence is not sufficient to establish whether loss-of-function variants in DDX58 cause disease. This variant is present in population databases (rs771837792, gnomAD 0.01%). This variant has not been reported in the literature in individuals affected with DDX58-related conditions. Algorithms developed to predict the effect of sequence changes on RNA splicing suggest that this variant may disrupt the consensus splice site. In summary, the available evidence is currently insufficient to determine the role of this variant in disease. Therefore, it has been classified as a Variant of Uncertain Significance.

Literature cited by the submitters: PubMed 16199547.

NM_014314.4(RIGI):c.423+1G>A

Gene: RIGI (RNA sensor RIG-I; minus strand). Cytogenetic location: 9p21.1.
Variant type: single nucleotide variant.
Coding change: c.423+1G>A on transcript NM_014314.4 (MANE Select); the canonical splice donor site of the intron after coding-DNA position 423, G replaced by A.
Molecular consequence: splice donor variant.
Genome position (GRCh38, 1-based): chr9:32,493,760, C>T on the plus strand (G>A on the coding strand, the complement: RIGI is on the minus strand). VCF-style: chr9-32493760-C-T. GRCh37 (hg19) VCF-style: chr9-32493758-C-T.
Other names: c.-39+1G>A (NM_001385912.1); c.423+1G>A (NM_001385913.1, NM_001385907.1, NM_001385909.1); c.-32+1G>A (NM_001385914.1, NM_001385910.1).
Identifiers: ClinVar variation 3688256 (VCV003688256.2).